The following is an entry in ClinVar:

NM_182961.4(SYNE1):c.9652-19A>G

Gene: SYNE1 (spectrin repeat containing nuclear envelope protein 1; minus strand). Cytogenetic location: 6q25.2.
Variant type: single nucleotide variant.
Coding change: c.9652-19A>G on transcript NM_182961.4 (MANE Select); 19 bases into the intron before coding-DNA position 9652, A replaced by G.
Molecular consequence: intron variant.
Genome position (GRCh38, 1-based): chr6:152,369,146, T>C on the plus strand (A>G on the coding strand, the complement: SYNE1 is on the minus strand). VCF-style: chr6-152369146-T-C. GRCh37 (hg19) VCF-style: chr6-152690281-T-C.
Other names: c.9673-19A>G (NM_033071.5).
Identifiers: ClinVar variation 4784636 (VCV004784636.1).
Genomic context (GRCh38, chr6:152,369,146, plus strand): 5'-GTTGAGCTGAGGCTCGTAGCAGTGTATTTCCTCAAGGACAGACTGAAAAGCACAAGCAAG[T>C]TACTATTCAGAGGCTGGGGAAAAGCACATCGCGGACGAAGCTTTGGCCCAGAGAACATGG-3'

ClinVar aggregate classification (germline): Uncertain significance (1 of 4 stars; one submission).

Conditions:
Autosomal recessive ataxia, Beauce type. Also called: SYNE1-Related Autosomal Recessive Cerebellar Ataxia; Spinocerebellar ataxia, autosomal recessive 8; ATAXIA, RECESSIVE, OF BEAUCE; SYNE1 Deficiency. Identifiers: Orphanet 88644, MedGen C1853116, MONDO:0012549, OMIM 610743.
Emery-Dreifuss muscular dystrophy 4, autosomal dominant (EDMD4). Also called: EMERY-DREIFUSS MUSCULAR DYSTROPHY 4 WITH VARIABLE FEATURES. Identifiers: Orphanet 261, MedGen C2751807, MONDO:0013071, OMIM 612998.

Submission:

Labcorp Genetics (formerly Invitae), Labcorp
Classification: Uncertain significance for Emery-Dreifuss muscular dystrophy 4, autosomal dominant; Autosomal recessive ataxia, Beauce type. Last evaluated: 2025-04-13. Review status: criteria provided, single submitter. Criteria: Invitae Variant Classification Sherloc (09022015). Collection method: clinical testing. Allele origin: germline.
Comment: This sequence change falls in intron 60 of the SYNE1 gene. It does not directly change the encoded amino acid sequence of the SYNE1 protein. This variant is not present in population databases (gnomAD no frequency). This variant has not been reported in the literature in individuals affected with SYNE1-related conditions. Algorithms developed to predict the effect of sequence changes on RNA splicing suggest that this variant may disrupt the consensus splice site. In summary, the available evidence is currently insufficient to determine the role of this variant in disease. Therefore, it has been classified as a Variant of Uncertain Significance.